The following is an entry in ClinVar:

NM_033026.6(PCLO):c.7130C>T (p.Pro2377Leu)

Gene: PCLO (piccolo presynaptic cytomatrix protein; minus strand). Cytogenetic location: 7q21.11.
Variant type: single nucleotide variant.
Coding change: c.7130C>T on transcript NM_033026.6 (MANE Select); coding-DNA position 7130, C replaced by T.
Protein change: p.Pro2377Leu; replaces proline 2377 with leucine.
Molecular consequence: missense variant.
Genome position (GRCh38, 1-based): chr7:82,953,823, G>A on the plus strand (C>T on the coding strand, the complement: PCLO is on the minus strand). VCF-style: chr7-82953823-G-A. GRCh37 (hg19) VCF-style: chr7-82583139-G-A.
Other names: c.7130C>T, p.Pro2377Leu (NM_014510.3); short protein forms P2377L.
Identifiers: ClinVar variation 2170124 (VCV002170124.4), dbSNP rs1562880305, ClinGen allele CA367917619.

ClinVar aggregate classification (germline): Uncertain significance (1 of 4 stars; one submission).

Allele frequency attached by ClinVar (database versions not stated): gnomAD exomes below 0.00001.
gnomAD v4.1: 1 of 1,611,250 alleles (0.000062%); highest among the groups gnomAD compares: South Asian, 0.0011%; no homozygotes.

Submission:

Labcorp Genetics (formerly Invitae), Labcorp
Classification: Uncertain significance. Last evaluated: 2022-08-10. Review status: criteria provided, single submitter. Criteria: Invitae Variant Classification Sherloc (09022015). Collection method: clinical testing. Allele origin: germline.
Comment: In summary, the available evidence is currently insufficient to determine the role of this variant in disease. Therefore, it has been classified as a Variant of Uncertain Significance. Algorithms developed to predict the effect of missense changes on protein structure and function are either unavailable or do not agree on the potential impact of this missense change (SIFT: "Tolerated"; PolyPhen-2: "Not Available"; Align-GVGD: "Class C0"). This variant has not been reported in the literature in individuals affected with PCLO-related conditions. This variant is not present in population databases (gnomAD no frequency). This sequence change replaces proline, which is neutral and non-polar, with leucine, which is neutral and non-polar, at codon 2377 of the PCLO protein (p.Pro2377Leu).